The following is an entry in ClinVar:

NM_001099922.3(ALG13):c.1114G>A (p.Asp372Asn)

Gene: ALG13 (ALG13 UDP-N-acetylglucosaminyltransferase subunit; plus strand). Cytogenetic location: Xq23.
Variant type: single nucleotide variant.
Coding change: c.1114G>A on transcript NM_001099922.3 (MANE Select); coding-DNA position 1114, G replaced by A.
Protein change: p.Asp372Asn; replaces aspartic acid 372 with asparagine.
Molecular consequence: missense variant. On other transcripts: non-coding transcript variant (1).
Genome position (GRCh38, 1-based): chrX:111,718,138, G>A. VCF-style: chrX-111718138-G-A. GRCh37 (hg19) VCF-style: chrX-110961366-G-A.
Other names: c.802G>A, p.Asp268Asn (NM_001257230.2, NM_001257234.2, NM_001257237.2 and 1 more transcripts); c.880G>A, p.Asp294Asn (NM_001257231.2); c.1114G>A, p.Asp372Asn (NM_001324292.2); short protein forms D294N, D268N, D372N.
Identifiers: ClinVar variation 1429775 (VCV001429775.8), dbSNP rs2148112840, ClinGen allele CA414250895.

ClinVar aggregate classification (germline): Uncertain significance (1 of 4 stars; one submission).

Conditions:
Developmental and epileptic encephalopathy, 36 (DEE36). Also called: Epileptic encephalopathy, early infantile, 36; ALG13-CDG; Congenital disorder of glycosylation, type Is. Identifiers: Orphanet 324422, MedGen C4317295, MONDO:0010472, OMIM 300884.

gnomAD v4.1: 9 of 1,166,351 alleles (0.00077%); highest among the groups gnomAD compares: Admixed American, 0.0026%; no homozygotes.

Submission:

Labcorp Genetics (formerly Invitae), Labcorp
Classification: Uncertain significance for Developmental and epileptic encephalopathy, 36. Last evaluated: 2021-06-28. Review status: criteria provided, single submitter. Criteria: Invitae Variant Classification Sherloc (09022015). Collection method: clinical testing. Allele origin: germline.
Comment: In summary, the available evidence is currently insufficient to determine the role of this variant in disease. Therefore, it has been classified as a Variant of Uncertain Significance. This sequence change replaces aspartic acid with asparagine at codon 372 of the ALG13 protein (p.Asp372Asn). The aspartic acid residue is moderately conserved and there is a small physicochemical difference between aspartic acid and asparagine. This variant is not present in population databases (ExAC no frequency). This variant has not been reported in the literature in individuals with ALG13-related conditions. Algorithms developed to predict the effect of missense changes on protein structure and function are either unavailable or do not agree on the potential impact of this missense change (SIFT: "Tolerated"; PolyPhen-2: "Probably Damaging"; Align-GVGD: "Class C0").